The following is an entry in ClinVar:

ClinVar aggregate classification (germline): Uncertain significance (1 of 4 stars; one submission).

Conditions:
Inborn genetic diseases. Identifiers: MedGen C0950123, MeSH D030342.

Submission:

Ambry Genetics
Classification: Uncertain significance for Inborn genetic diseases. Last evaluated: 2026-01-05. Review status: criteria provided, single submitter. Criteria: Ambry Variant Classification Scheme 2023. Collection method: clinical testing. Allele origin: germline.
Comment: The p.K584N variant (also known as c.1752A>T), located in coding exon 17 of the ANKRD26 gene, results from an A to T substitution at nucleotide position 1752. The lysine at codon 584 is replaced by asparagine, an amino acid with similar properties. This amino acid position is conserved. In addition, this alteration is predicted to be tolerated by in silico analysis. Based on the available evidence, the clinical significance of this variant remains unclear.

NM_014915.3(ANKRD26):c.1752A>T (p.Lys584Asn)

Gene: ANKRD26 (ankyrin repeat domain 26; minus strand). Cytogenetic location: 10p12.1.
Variant type: single nucleotide variant.
Coding change: c.1752A>T on transcript NM_014915.3 (MANE Select); coding-DNA position 1752, A replaced by T.
Protein change: p.Lys584Asn; replaces lysine 584 with asparagine.
Molecular consequence: missense variant.
Genome position (GRCh38, 1-based): chr10:27,048,863, T>A on the plus strand (A>T on the coding strand, the complement: ANKRD26 is on the minus strand). VCF-style: chr10-27048863-T-A. GRCh37 (hg19) VCF-style: chr10-27337792-T-A.
Other names: c.1752A>T, p.Lys584Asn (NM_001256053.2); short protein forms K584N.
Identifiers: ClinVar variation 4842361 (VCV004842361.1).